The following is an entry in ClinVar:

NM_002432.3(MNDA):c.1074T>G (p.Asn358Lys)

Gene: MNDA (myeloid cell nuclear differentiation antigen; plus strand). Cytogenetic location: 1q23.1.
Variant type: single nucleotide variant.
Coding change: c.1074T>G on transcript NM_002432.3 (MANE Select); coding-DNA position 1074, T replaced by G.
Protein change: p.Asn358Lys; replaces asparagine 358 with lysine.
Molecular consequence: missense variant.
Genome position (GRCh38, 1-based): chr1:158,847,814, T>G. VCF-style: chr1-158847814-T-G. GRCh37 (hg19) VCF-style: chr1-158817604-T-G.
Other names: short protein forms N358K.
Identifiers: ClinVar variation 1784540 (VCV001784540.2), dbSNP rs1390505767, ClinGen allele CA343044235.

ClinVar aggregate classification (germline): Uncertain significance (1 of 4 stars; one submission).

gnomAD v4.1: 1 of 1,614,038 alleles (0.000062%); highest among the groups gnomAD compares: Non-Finnish European, 0.000085%; no homozygotes.

Submission:

Ambry Genetics
Classification: Uncertain significance. Last evaluated: 2021-06-28. Review status: criteria provided, single submitter. Criteria: Ambry Variant Classification Scheme 2023. Collection method: clinical testing. Allele origin: germline.
Comment: The p.N358K variant (also known as c.1074T>G), located in coding exon 5 of the MNDA gene, results from a T to G substitution at nucleotide position 1074. The asparagine at codon 358 is replaced by lysine, an amino acid with similar properties. This amino acid position is conserved. In addition, this alteration is predicted to be tolerated by in silico analysis. Since supporting evidence is limited at this time, the clinical significance of this alteration remains unclear.